The following is an entry in ClinVar:

ClinVar aggregate classification (germline): Uncertain significance. Review status: criteria provided, multiple submitters, no conflicts (2 of 4 stars). 2 submissions from 2 submitters: Uncertain significance (2). Last evaluated 2025-12-08.

Conditions:
Hereditary cancer-predisposing syndrome. Also called: Neoplastic Syndromes, Hereditary; Hereditary Cancer Syndrome; Hereditary neoplastic syndrome; Tumor predisposition. Identifiers: Orphanet 140162, MedGen C0027672, MeSH D009386, MONDO:0015356.
Gastrointestinal stromal tumor. Also called: Gastrointestinal stromal tumor, somatic; Gastrointestinal stroma tumor. Identifiers: Orphanet 44890, MedGen C0238198, MeSH D046152, MONDO:0011719, OMIM 606764, HP:0100723.

Submissions (2):

Labcorp Genetics (formerly Invitae), Labcorp
Classification: Uncertain significance for Gastrointestinal stromal tumor. Last evaluated: 2025-12-08. Review status: criteria provided, single submitter. Criteria: Invitae Variant Classification Sherloc (09022015). Collection method: clinical testing. Allele origin: germline.
Comment: This sequence change replaces methionine, which is neutral and non-polar, with leucine, which is neutral and non-polar, at codon 318 of the KIT protein (p.Met318Leu). This variant is present in population databases (rs143388949, gnomAD 0.0009%). This variant has not been reported in the literature in individuals affected with KIT-related conditions. ClinVar contains an entry for this variant (Variation ID: 1010376). An algorithm developed to predict the effect of missense changes on protein structure and function outputs the following: PolyPhen-2: "Benign". The leucine amino acid residue is found in multiple mammalian species, which suggests that this missense change does not adversely affect protein function. In summary, the available evidence is currently insufficient to determine the role of this variant in disease. Therefore, it has been classified as a Variant of Uncertain Significance.

Ambry Genetics
Classification: Uncertain significance for Hereditary cancer-predisposing syndrome. Last evaluated: 2025-05-28. Review status: criteria provided, single submitter. Criteria: Ambry Variant Classification Scheme 2023. Collection method: clinical testing. Allele origin: germline.
Comment: The p.M318L variant (also known as c.952A>C), located in coding exon 6 of the KIT gene, results from an A to C substitution at nucleotide position 952. The methionine at codon 318 is replaced by leucine, an amino acid with highly similar properties. This amino acid position is not well conserved in available vertebrate species. In addition, this alteration is predicted to be tolerated by in silico analysis. Based on the available evidence, the clinical significance of this variant remains unclear.

NM_000222.3(KIT):c.952A>C (p.Met318Leu)

Gene: KIT (KIT proto-oncogene, receptor tyrosine kinase; plus strand). Cytogenetic location: 4q12.
Variant type: single nucleotide variant.
Coding change: c.952A>C on transcript NM_000222.3 (MANE Select); coding-DNA position 952, A replaced by C.
Protein change: p.Met318Leu; replaces methionine 318 with leucine.
Molecular consequence: missense variant.
Genome position (GRCh38, 1-based): chr4:54,707,124, A>C. VCF-style: chr4-54707124-A-C. GRCh37 (hg19) VCF-style: chr4-55573290-A-C.
Other names: c.952A>C, p.Met318Leu (NM_001093772.2, NM_001385285.1, NM_001385286.1); c.955A>C, p.Met319Leu (NM_001385284.1, NM_001385288.1, NM_001385290.1 and 1 more transcripts); c.952A>C (NM_000222.2); short protein forms M318L, M319L.
Identifiers: ClinVar variation 1010376 (VCV001010376.7), dbSNP rs143388949, ClinGen allele CA2923350.